The following is an entry in ClinVar:

ClinVar aggregate classification (germline): Pathogenic (1 of 4 stars; one submission).

Submission:

Labcorp Genetics (formerly Invitae), Labcorp
Classification: Pathogenic. Last evaluated: 2023-05-16. Review status: criteria provided, single submitter. Criteria: Invitae Variant Classification Sherloc (09022015). Collection method: clinical testing. Allele origin: germline.
Comment: For these reasons, this variant has been classified as Pathogenic. This variant has not been reported in the literature in individuals affected with MYO6-related conditions. This variant is not present in population databases (gnomAD no frequency). This sequence change creates a premature translational stop signal (p.Glu934*) in the MYO6 gene. It is expected to result in an absent or disrupted protein product. Loss-of-function variants in MYO6 are known to be pathogenic (PMID: 12687499, 18348273, 23767834, 25999546, 30582396).

Literature cited by the submitters: PubMed 12687499; PubMed 18348273; PubMed 23767834; PubMed 25999546; PubMed 30582396.

NM_004999.4(MYO6):c.2800G>T (p.Glu934Ter)

Gene: MYO6 (myosin VI; plus strand). Cytogenetic location: 6q14.1.
Variant type: single nucleotide variant.
Coding change: c.2800G>T on transcript NM_004999.4 (MANE Select); coding-DNA position 2800, G replaced by T.
Protein change: p.Glu934Ter; replaces glutamic acid 934 with a stop codon.
Molecular consequence: nonsense. On other transcripts: non-coding transcript variant (1).
Genome position (GRCh38, 1-based): chr6:75,890,198, G>T. VCF-style: chr6-75890198-G-T. GRCh37 (hg19) VCF-style: chr6-76599915-G-T.
Other names: c.2800G>T, p.Glu934Ter (NM_001300899.2, NM_001368136.1, NM_001368137.1 and 2 more transcripts); c.2785G>T, p.Glu929Ter (NM_001368138.1); short protein forms E934*, E929*.
Identifiers: ClinVar variation 2864948 (VCV002864948.3), dbSNP rs2535587363, ClinGen allele CA364777025.